The following is an entry in ClinVar:

ClinVar aggregate classification (germline): Conflicting classifications of pathogenicity. Review status: criteria provided, conflicting classifications (1 of 4 stars). 4 submissions from 4 submitters: Uncertain significance (3); Likely benign (1). Last evaluated 2026-04-14.

Conditions:
ALPK3-related disorder. Also called: ALPK3-related condition.
Cardiovascular phenotype. Identifiers: MedGen CN230736.

Allele frequency attached by ClinVar (database versions not stated): ExAC 0.00002; gnomAD exomes 0.00002 and 0.00004; TOPMed 0.00002; gnomAD 0.00005.
gnomAD v4.1: 44 of 1,613,978 alleles (0.0027%); highest among the groups gnomAD compares: East Asian, 0.022%; no homozygotes.

Submissions (4):

Women's Health and Genetics/Laboratory Corporation of America, LabCorp
Classification: Uncertain significance. Last evaluated: 2026-04-14. Review status: criteria provided, single submitter. Criteria: LabCorp Variant Classification Summary - May 2015. Collection method: clinical testing. Allele origin: germline.
Comment: Variant summary: ALPK3 c.2648C>T (p.Pro883Leu) results in a non-conservative amino acid change in the encoded protein sequence. Algorithms developed to predict the effect of missense changes on protein structure and function are either unavailable or do not agree on the potential impact of this missense change. The variant allele was found at a frequency of 4.4e-05 in 250986 control chromosomes, predominantly at a frequency of 0.00038 within the East Asian subpopulation in the gnomAD database. The available data on variant occurrences in the general population are insufficient to allow any conclusion about variant significance. To our knowledge, no occurrence of c.2648C>T in individuals affected with ALPK3-related conditions and no experimental evidence demonstrating its impact on protein function have been reported. ClinVar contains an entry for this variant (Variation ID: 1449388). Based on the evidence outlined above, the variant was classified as uncertain significance.

Labcorp Genetics (formerly Invitae), Labcorp
Classification: Uncertain significance. Last evaluated: 2026-01-08. Review status: criteria provided, single submitter. Criteria: Invitae Variant Classification Sherloc (09022015). Collection method: clinical testing. Allele origin: germline.
Comment: This sequence change replaces proline, which is neutral and non-polar, with leucine, which is neutral and non-polar, at codon 1085 of the ALPK3 protein (p.Pro1085Leu). This variant is present in population databases (rs771710451, gnomAD 0.04%). This variant has not been reported in the literature in individuals affected with ALPK3-related conditions. ClinVar contains an entry for this variant (Variation ID: 1449388). Invitae Evidence Modeling of protein sequence and biophysical properties (such as structural, functional, and spatial information, amino acid conservation, physicochemical variation, residue mobility, and thermodynamic stability) indicates that this missense variant is not expected to disrupt ALPK3 protein function with a negative predictive value of 80%. In summary, the available evidence is currently insufficient to determine the role of this variant in disease. Therefore, it has been classified as a Variant of Uncertain Significance.

PreventionGenetics, part of Exact Sciences
Classification: Uncertain significance for ALPK3-related condition. Last evaluated: 2025-10-23. Review status: criteria provided, single submitter. Criteria: ACMG Guidelines, 2015. Collection method: clinical testing. Allele origin: germline.
Comment: The ALPK3 c.3254C>T variant is predicted to result in the amino acid substitution p.Pro1085Leu. To our knowledge, this variant has not been reported in the literature. This variant is reported in 0.040% of alleles in individuals of East Asian descent in gnomAD. At this time, the clinical significance of this variant is uncertain due to the absence of conclusive functional and genetic evidence.

Ambry Genetics
Classification: Likely benign for Cardiovascular phenotype. Last evaluated: 2022-01-12. Review status: criteria provided, single submitter. Criteria: Ambry Variant Classification Scheme 2023. Collection method: clinical testing. Allele origin: germline.

NM_020778.5(ALPK3):c.2648C>T (p.Pro883Leu)

Gene: ALPK3 (alpha kinase 3; plus strand). Cytogenetic location: 15q25.3.
Variant type: single nucleotide variant.
Coding change: c.2648C>T on transcript NM_020778.5 (MANE Select); coding-DNA position 2648, C replaced by T.
Protein change: p.Pro883Leu; replaces proline 883 with leucine.
Molecular consequence: missense variant.
Genome position (GRCh38, 1-based): chr15:84,857,386, C>T. VCF-style: chr15-84857386-C-T. GRCh37 (hg19) VCF-style: chr15-85400617-C-T.
Other names: short protein forms P883L.
Identifiers: ClinVar variation 1449388 (VCV001449388.12), dbSNP rs771710451, ClinGen allele CA7709462.